The following is an entry in ClinVar:

NC_000008.11:g.(?_89935582)_(89937085_?)del

Gene: NBN (nibrin; minus strand). Cytogenetic location: 8q21.3.
Variant type: Deletion.
Identifiers: ClinVar variation 832752 (VCV000832752.1).

ClinVar aggregate classification (germline): Likely pathogenic (1 of 4 stars; one submission).

Conditions:
Microcephaly, normal intelligence and immunodeficiency (NBS). Also called: Ataxia telangiectasia variant V1; Nijmegen breakage syndrome; Immunodeficiency, microcephaly with normal intelligence; IMMUNODEFICIENCY, MICROCEPHALY, AND CHROMOSOMAL INSTABILITY; SEEMANOVA SYNDROME II; BERLIN BREAKAGE SYNDROME. Identifiers: Orphanet 647, MedGen C0398791, MONDO:0009623, OMIM 251260.

Submission:

Labcorp Genetics (formerly Invitae), Labcorp
Classification: Likely pathogenic for Microcephaly, normal intelligence and immunodeficiency. Last evaluated: 2019-12-14. Review status: criteria provided, single submitter. Criteria: Invitae Variant Classification Sherloc (09022015). Collection method: clinical testing. Allele origin: germline.
Comment: This variant is a gross deletion of the genomic region encompassing exons 15-16 of the NBN gene. The 5' boundary is likely confined to intron 14. The 3' end of this event is unknown as it extends through the termination codon beyond the assayed region for this gene and may encompass additional genes. While this deletion is not anticipated to result in nonsense mediated decay, it is expected to create a truncated protein product or disrupt mRNA translation. Deletions of exons 15-16 have been reported in individuals affected with breast cancer and an individual with a family history of breast, ovarian, pancreatic and colon cancer (PMID: 26681312, Invitae). Additionally, a truncating variant in exon 14 of NBN that deletes the amino acids encoded by exons 15 and 16 has been observed in the literature in individuals affected with prostate, bladder and breast cancer and is known to be pathogenic (PMID: 22864661, 26681312). This deletion also removes the ATM interaction domain (amino acids 734-754) of the NBN protein (PMID: 24894818, 21035407), which is important for activating ATM (PMID: 15964794, 15048089). In summary, the currently available evidence indicates that the variant is pathogenic, but additional data are needed to prove that conclusively. Therefore, this variant has been classified as Likely Pathogenic.

Literature cited by the submitters: PubMed 21035407; PubMed 15048089; PubMed 26681312; PubMed 24894818; PubMed 22864661; PubMed 15964794.